The following is an entry in ClinVar:

ClinVar aggregate classification (germline): Conflicting classifications of pathogenicity. Review status: criteria provided, conflicting classifications (1 of 4 stars). 2 submissions from 2 submitters: Pathogenic (1); Uncertain significance (1). Last evaluated 2026-08-13.

Conditions:
Inborn genetic diseases. Identifiers: MedGen C0950123, MeSH D030342.

Submissions (2):

GeneDx
Classification: Pathogenic. Last evaluated: 2026-08-13. Review status: criteria provided, single submitter. Criteria: GeneDx Variant Classification Process June 2021. Collection method: clinical testing. Allele origin: germline.
Comment: Not observed at significant frequency in large population cohorts (gnomAD); In silico analysis supports that this missense variant has a deleterious effect on protein structure/function; Has not been previously published as pathogenic or benign to our knowledge; This variant is associated with the following publications: (PMID: 42094436)

Ambry Genetics
Classification: Uncertain significance for Inborn genetic diseases. Last evaluated: 2022-02-02. Review status: criteria provided, single submitter. Criteria: Ambry Variant Classification Scheme 2023. Collection method: clinical testing. Allele origin: germline.

NM_003470.3(USP7):c.454C>T (p.Arg152Cys)

Gene: USP7 (ubiquitin specific peptidase 7; minus strand). Cytogenetic location: 16p13.2.
Variant type: single nucleotide variant.
Coding change: c.454C>T on transcript NM_003470.3 (MANE Select); coding-DNA position 454, C replaced by T.
Protein change: p.Arg152Cys; replaces arginine 152 with cysteine.
Molecular consequence: missense variant. On other transcripts: non-coding transcript variant (1).
Genome position (GRCh38, 1-based): chr16:8,921,225, G>A on the plus strand (C>T on the coding strand, the complement: USP7 is on the minus strand). VCF-style: chr16-8921225-G-A. GRCh37 (hg19) VCF-style: chr16-9015082-G-A.
Other names: c.406C>T, p.Arg136Cys (NM_001286457.2); c.157C>T, p.Arg53Cys (NM_001286458.2); c.280C>T, p.Arg94Cys (NM_001321858.2); c.454C>T (NM_003470.2); short protein forms R136C, R152C, R53C, R94C.
Identifiers: ClinVar variation 1318697 (VCV001318697.6), dbSNP rs2141211611, ClinGen allele CA394704830.